The following is an entry in ClinVar:

NM_020778.5(ALPK3):c.55G>A (p.Ala19Thr)

Gene: ALPK3 (alpha kinase 3; plus strand). Cytogenetic location: 15q25.3.
Variant type: single nucleotide variant.
Coding change: c.55G>A on transcript NM_020778.5 (MANE Select); coding-DNA position 55, G replaced by A.
Protein change: p.Ala19Thr; replaces alanine 19 with threonine.
Molecular consequence: missense variant.
Genome position (GRCh38, 1-based): chr15:84,817,507, G>A. VCF-style: chr15-84817507-G-A. GRCh37 (hg19) VCF-style: chr15-85360738-G-A.
Other names: short protein forms A19T.
Identifiers: ClinVar variation 4088837 (VCV004088837.1).

ClinVar aggregate classification (germline): Uncertain significance (1 of 4 stars; one submission).

Conditions:
Cardiovascular phenotype. Identifiers: MedGen CN230736.

gnomAD v4.1: 3 of 1,469,414 alleles (0.0002%); highest among the groups gnomAD compares: East Asian, 0.003%; no homozygotes.

Submission:

Ambry Genetics
Classification: Uncertain significance for Cardiovascular phenotype. Last evaluated: 2025-07-06. Review status: criteria provided, single submitter. Criteria: Ambry Variant Classification Scheme 2023. Collection method: clinical testing. Allele origin: germline.
Comment: The p.A221T variant (also known as c.661G>A), located in coding exon 1 of the ALPK3 gene, results from a G to A substitution at nucleotide position 661. The alanine at codon 221 is replaced by threonine, an amino acid with similar properties. This amino acid position is conserved. In addition, this alteration is predicted to be tolerated by in silico analysis. Based on the available evidence, the clinical significance of this variant remains unclear.